The following is an entry in ClinVar:

ClinVar aggregate classification (germline): Uncertain significance (1 of 4 stars; one submission).

Conditions:
Inborn genetic diseases. Identifiers: MedGen C0950123, MeSH D030342.

gnomAD v4.1: 1 of 1,614,162 alleles (0.000062%); highest among the groups gnomAD compares: Non-Finnish European, 0.000085%; no homozygotes.

Submission:

Ambry Genetics
Classification: Uncertain significance for Inborn genetic diseases. Last evaluated: 2026-06-23. Review status: criteria provided, single submitter. Criteria: Ambry Variant Classification Scheme 2023. Collection method: clinical testing. Allele origin: germline.
Comment: The p.T107M variant (also known as c.320C>T), located in coding exon 1 of the FANCM gene, results from a C to T substitution at nucleotide position 320. The threonine at codon 107 is replaced by methionine, an amino acid with similar properties. This amino acid position is conserved. In addition, the in silico prediction for this alteration is inconclusive. Based on the available evidence, the clinical significance of this variant remains unclear.

NM_020937.4(FANCM):c.320C>T (p.Thr107Met)

Gene: FANCM (FA complementation group M; plus strand). Cytogenetic location: 14q21.2.
Variant type: single nucleotide variant.
Coding change: c.320C>T on transcript NM_020937.4 (MANE Select); coding-DNA position 320, C replaced by T.
Protein change: p.Thr107Met; replaces threonine 107 with methionine.
Molecular consequence: missense variant.
Genome position (GRCh38, 1-based): chr14:45,136,351, C>T. VCF-style: chr14-45136351-C-T. GRCh37 (hg19) VCF-style: chr14-45605554-C-T.
Other names: c.320C>T, p.Thr107Met (NM_001308133.2, NM_001308134.2); short protein forms T107M.
Identifiers: ClinVar variation 5036573 (VCV005036573.1).